The following is an entry in ClinVar:

NM_004369.4(COL6A3):c.7502G>A (p.Arg2501His)

Gene: COL6A3 (collagen type VI alpha 3 chain; minus strand). Cytogenetic location: 2q37.3.
Variant type: single nucleotide variant.
Coding change: c.7502G>A on transcript NM_004369.4 (MANE Select); coding-DNA position 7502, G replaced by A.
Protein change: p.Arg2501His; replaces arginine 2501 with histidine.
Molecular consequence: missense variant.
Genome position (GRCh38, 1-based): chr2:237,344,516, C>T on the plus strand (G>A on the coding strand, the complement: COL6A3 is on the minus strand). VCF-style: chr2-237344516-C-T. GRCh37 (hg19) VCF-style: chr2-238253159-C-T.
Other names: COL6A3, ARG2501HIS (rs541928674); c.5681G>A, p.Arg1894His (NM_057166.5); c.6884G>A, p.Arg2295His (NM_057167.4); short protein forms R2501H, R1894H, R2295H.
Identifiers: ClinVar variation 192264 (VCV000192264.15), dbSNP rs541928674, ClinGen allele CA200149.

ClinVar aggregate classification (germline): Conflicting classifications of pathogenicity. Review status: criteria provided, conflicting classifications (1 of 4 stars). 3 submissions from 3 submitters: Pathogenic (1); Likely benign (1). 1 of the submissions does not count toward it. Last evaluated 2023-09-19.

Conditions:
Dystonia 27 (DYT27). Identifiers: Orphanet 464440, MedGen C4225336, MONDO:0014627, OMIM 616411.
Collagen 6-related myopathy. Identifiers: MedGen CN117976, MONDO:0100225.
Bethlem myopathy 1A. Also called: MYOPATHY, BENIGN CONGENITAL, WITH CONTRACTURES; Bethlem myopathy 1; Bethlem Muscular Dystrophy. Identifiers: Orphanet 610, MedGen CN029274, MONDO:0024530, OMIM 158810.

Allele frequency attached by ClinVar (database versions not stated): 1000 Genomes Project 0.00020; 1000 Genomes Project 30x 0.00031; gnomAD 0.00001 and 0.00002; ExAC 0.00002; gnomAD exomes 0.00002; TOPMed 0.00002.
gnomAD v4.1: 38 of 1,614,172 alleles (0.0024%); highest among the groups gnomAD compares: Middle Eastern, 0.033%; no homozygotes.

Submissions (3):

Labcorp Genetics (formerly Invitae), Labcorp
Classification: Pathogenic for Bethlem myopathy 1A. Last evaluated: 2023-09-19. Review status: criteria provided, single submitter. Criteria: Invitae Variant Classification Sherloc (09022015). Collection method: clinical testing. Allele origin: germline.
Comment: This missense change has been observed in individual(s) with dystonia (PMID: 26004199; Invitae). In at least one individual the data is consistent with being in trans (on the opposite chromosome) from a pathogenic variant. It has also been observed to segregate with disease in related individuals. This variant is present in population databases (rs541928674, gnomAD 0.01%). This sequence change replaces arginine, which is basic and polar, with histidine, which is basic and polar, at codon 2501 of the COL6A3 protein (p.Arg2501His). ClinVar contains an entry for this variant (Variation ID: 192264). For these reasons, this variant has been classified as Pathogenic. Advanced modeling of protein sequence and biophysical properties (such as structural, functional, and spatial information, amino acid conservation, physicochemical variation, residue mobility, and thermodynamic stability) performed at Invitae indicates that this missense variant is expected to disrupt COL6A3 protein function.

Illumina Laboratory Services, Illumina
Classification: Likely benign for Collagen VI-related myopathy. Last evaluated: 2018-01-12. Review status: criteria provided, single submitter. Criteria: ICSL Variant Classification Criteria 13 December 2019. Collection method: clinical testing. Allele origin: germline.
Comment: This variant was observed in the ICSL laboratory as part of a predisposition screen in an ostensibly healthy population. It had not been previously curated by ICSL or reported in the Human Gene Mutation Database (HGMD: prior to June 1st, 2018), and was therefore a candidate for classification through an automated scoring system. Utilizing variant allele frequency, disease prevalence and penetrance estimates, and inheritance mode, an automated score was calculated to assess if this variant is too frequent to cause the disease. Based on the score and internal cut-off values, a variant classified as likely benign is not then subjected to further curation. The score for this variant resulted in a classification of likely benign for this disease.

OMIM
Classification: Pathogenic for DYSTONIA 27. Last evaluated: 2015-06-04. Review status: no assertion criteria provided. Collection method: literature only. Allele origin: germline. Not counted in ClinVar's aggregate classification.

Literature cited by the submitters: PubMed 26004199 (cited by Labcorp Genetics (formerly Invitae), Labcorp and OMIM).